The following is an entry in ClinVar:

NM_001319206.4(MEF2A):c.782A>G (p.Asn261Ser)

Gene: MEF2A (myocyte enhancer factor 2A; plus strand). Cytogenetic location: 15q26.3.
Variant type: single nucleotide variant.
Coding change: c.782A>G on transcript NM_001319206.4 (MANE Select); coding-DNA position 782, A replaced by G.
Protein change: p.Asn261Ser; replaces asparagine 261 with serine.
Molecular consequence: missense variant. On other transcripts: intron variant (2).
Genome position (GRCh38, 1-based): chr15:99,690,352, A>G. VCF-style: chr15-99690352-A-G. GRCh37 (hg19) VCF-style: chr15-100230557-A-G.
Other names: c.782A>G, p.Asn261Ser (NM_001130926.5, NM_001171894.5, NM_001352614.4 and 4 more transcripts); c.578A>G, p.Asn193Ser (NM_001130927.5, NM_001130928.4, NM_001365209.3 and 1 more transcripts); c.788A>G, p.Asn263Ser (NM_001352617.4, NM_001365203.3, NM_001365204.3 and 2 more transcripts); c.800A>G, p.Asn267Ser (NM_001352618.4, NM_001365201.3, NM_001365202.3 and 1 more transcripts); c.584A>G, p.Asn195Ser (NM_001393558.2); c.670+14894A>G (NM_001393560.2); c.55-16377A>G (NM_001393561.3); short protein forms N263S, N267S, N261S, N193S, N195S.
Identifiers: ClinVar variation 8950 (VCV000008950.25), dbSNP rs121918530, ClinGen allele CA120017.

ClinVar aggregate classification (germline): Benign/Likely benign. Review status: criteria provided, multiple submitters, no conflicts (2 of 4 stars). 3 submissions from 3 submitters: Benign (1); Likely benign (1). 1 of the submissions does not count toward it. Last evaluated 2022-07-01.

Conditions:
Coronary artery disease/myocardial infarction.

Allele frequency attached by ClinVar (database versions not stated): 1000 Genomes Project 0.00040; 1000 Genomes Project 30x 0.00062; gnomAD exomes 0.00078 and 0.00142; TOPMed 0.00084; gnomAD 0.00091 and 0.00094; ExAC 0.00095.
gnomAD v4.1: 2,210 of 1,613,574 alleles (0.14%); highest among the groups gnomAD compares: Non-Finnish European, 0.17%; 5 homozygotes.

Submissions (3):

CeGaT Center for Human Genetics Tuebingen
Classification: Benign. Last evaluated: 2022-07-01. Review status: criteria provided, single submitter. Criteria: CeGaT Center For Human Genetics Tuebingen Variant Classification Criteria Version 2. Collection method: clinical testing. Allele origin: germline. Affected: yes. Observed: 1 variant allele.
Comment: MEF2A: BP4, BS1, BS2

GeneDx
Classification: Likely benign. Last evaluated: 2015-07-18. Review status: criteria provided, single submitter. Criteria: GeneDx Variant Classification (06012015). Collection method: clinical testing. Allele origin: germline. Affected: yes.
Comment: This variant is considered likely benign or benign based on one or more of the following criteria: it is a conservative change, it occurs at a poorly conserved position in the protein, it is predicted to be benign by multiple in silico algorithms, and/or has population frequency not consistent with disease.

OMIM
Classification: Pathogenic for CORONARY ARTERY DISEASE/MYOCARDIAL INFARCTION. Last evaluated: 2004-12-15. Review status: no assertion criteria provided. Collection method: literature only. Allele origin: germline. Not counted in ClinVar's aggregate classification.

Literature cited by the submitters: PubMed 15496429 (cited by OMIM).